The following is an entry in ClinVar:

NM_001374736.1(DST):c.5183A>G (p.Gln1728Arg)

Gene: DST (dystonin; minus strand). Cytogenetic location: 6p12.1.
Variant type: single nucleotide variant.
Coding change: c.5183A>G on transcript NM_001374736.1 (MANE Select); coding-DNA position 5183, A replaced by G.
Protein change: p.Gln1728Arg; replaces glutamine 1728 with arginine.
Molecular consequence: missense variant.
Genome position (GRCh38, 1-based): chr6:56,610,527, T>C on the plus strand (A>G on the coding strand, the complement: DST is on the minus strand). VCF-style: chr6-56610527-T-C. GRCh37 (hg19) VCF-style: chr6-56475325-T-C.
Other names: c.5084A>G, p.Gln1695Arg (NM_001144769.5); c.4670A>G, p.Gln1557Arg (NM_001144770.2); c.5183A>G, p.Gln1728Arg (NM_001374722.1); c.4550A>G, p.Gln1517Arg (NM_001374729.1, NM_001374730.1, NM_001386100.1 and 1 more transcripts); c.5210A>G, p.Gln1737Arg (NM_001374734.1); c.3572A>G, p.Gln1191Arg (NM_015548.5); short protein forms Q1517R, Q1695R, Q1728R, Q1191R, Q1557R, Q1737R.
Identifiers: ClinVar variation 1925741 (VCV001925741.2), dbSNP rs1231867944, ClinGen allele CA364561272.
Genomic context (GRCh38, chr6:56,610,527, plus strand): 5'-TGTAGCTGTTTCAGAGATTCACTGAATAATAAATTATAACTTTCCTGAAGAGTTTTCACT[T>C]GTTTTTCCAATTCATTTCTTTCTTCATCTGTCATTCTAAATAACCAGAAATGATAAAAAG-3'
Protein context (NP_001361665.1, residues 1718-1738): TDEERNELEK[Gln1728Arg]VKTLQESYNL

ClinVar aggregate classification (germline): Uncertain significance (1 of 4 stars; one submission).

Conditions:
Epidermolysis bullosa simplex 3, localized or generalized intermediate, with BP230 deficiency (EBS3). Also called: Epidermolysis bullosa simplex due to BP230 deficiency; Epidermolysis bullosa simplex, autosomal recessive 2. Identifiers: Orphanet 412181, MedGen C3809470, MONDO:0014180, OMIM 615425.
Hereditary sensory and autonomic neuropathy type 6. Also called: Neuropathy, hereditary sensory and autonomic, type VI; HSAN VI. Identifiers: Orphanet 314381, MedGen C3539003, MONDO:0013839, OMIM 614653.

Allele frequency attached by ClinVar (database versions not stated): TOPMed below 0.00001; gnomAD exomes 0.00001.
gnomAD v4.1: 3 of 1,567,238 alleles (0.00019%); highest among the groups gnomAD compares: Admixed American, 0.0019%; no homozygotes.

Submission:

Labcorp Genetics (formerly Invitae), Labcorp
Classification: Uncertain significance for Epidermolysis bullosa simplex 3, localized or generalized intermediate, with BP230 deficiency; Hereditary sensory and autonomic neuropathy type 6. Last evaluated: 2022-04-29. Review status: criteria provided, single submitter. Criteria: Invitae Variant Classification Sherloc (09022015). Collection method: clinical testing. Allele origin: germline.
Comment: The DST gene has multiple clinically relevant transcripts. This variant occurs in alternate transcript NM_015548.4, and corresponds to NM_001723.5:c.*4990A>G in the primary transcript. This sequence change replaces glutamine, which is neutral and polar, with arginine, which is basic and polar, at codon 1191 of the DST protein (p.Gln1191Arg). This variant is present in population databases (no rsID available, gnomAD 0.004%). This variant has not been reported in the literature in individuals affected with DST-related conditions. Experimental studies and prediction algorithms are not available or were not evaluated, and the functional significance of this variant is currently unknown. In summary, the available evidence is currently insufficient to determine the role of this variant in disease. Therefore, it has been classified as a Variant of Uncertain Significance.